The following is an entry in ClinVar:

NM_001378454.1(ALMS1):c.8147C>T (p.Thr2716Ile)

Gene: ALMS1 (ALMS1 centrosome and basal body associated protein; plus strand). Cytogenetic location: 2p13.1.
Variant type: single nucleotide variant.
Coding change: c.8147C>T on transcript NM_001378454.1 (MANE Select); coding-DNA position 8147, C replaced by T.
Protein change: p.Thr2716Ile; replaces threonine 2716 with isoleucine.
Molecular consequence: missense variant.
Genome position (GRCh38, 1-based): chr2:73,490,106, C>T. VCF-style: chr2-73490106-C-T. GRCh37 (hg19) VCF-style: chr2-73717233-C-T.
Other names: c.8150C>T, p.Thr2717Ile (NM_015120.4); short protein forms T2717I, T2716I.
Identifiers: ClinVar variation 3526911 (VCV003526911.1).
Genomic context (GRCh38, chr2:73,490,106, plus strand): 5'-TTCATTCTTCATCACAAATGCCGTCCCCAGAACCCATGAAAAAGTTTACTACCTCCATCA[C>T]TTTTTCATCTCACCGACATTCTAAATGCATTTCCAATTCCTCTGTTGTTAAGGTTGGTGT-3'
Protein context (NP_001365383.1, residues 2706-2726): EPMKKFTTSI[Thr2716Ile]FSSHRHSKCI

ClinVar aggregate classification (germline): Uncertain significance (1 of 4 stars; one submission).

Conditions:
Cardiovascular phenotype. Identifiers: MedGen CN230736.

gnomAD v4.1: 1 of 1,614,204 alleles (0.000062%); highest among the groups gnomAD compares: Non-Finnish European, 0.000085%; no homozygotes.

Submission:

Ambry Genetics
Classification: Uncertain significance for Cardiovascular phenotype. Last evaluated: 2024-08-19. Review status: criteria provided, single submitter. Criteria: Ambry Variant Classification Scheme 2023. Collection method: clinical testing. Allele origin: germline.
Comment: The p.T2717I variant (also known as c.8150C>T), located in coding exon 10 of the ALMS1 gene, results from a C to T substitution at nucleotide position 8150. The threonine at codon 2717 is replaced by isoleucine, an amino acid with similar properties. This amino acid position is well conserved in available vertebrate species. In addition, the in silico prediction for this alteration is inconclusive. Based on the available evidence, the clinical significance of this variant remains unclear.